The following is an entry in ClinVar:

NM_012414.4(RAB3GAP2):c.1041-18A>C

Gene: RAB3GAP2 (RAB3 GTPase activating non-catalytic protein subunit 2; minus strand). Cytogenetic location: 1q41.
Variant type: single nucleotide variant.
Coding change: c.1041-18A>C on transcript NM_012414.4 (MANE Select); 18 bases into the intron before coding-DNA position 1041, A replaced by C.
Molecular consequence: intron variant.
Genome position (GRCh38, 1-based): chr1:220,195,185, T>G on the plus strand (A>C on the coding strand, the complement: RAB3GAP2 is on the minus strand). VCF-style: chr1-220195185-T-G. GRCh37 (hg19) VCF-style: chr1-220368527-T-G.
Identifiers: ClinVar variation 138861 (VCV000138861.16), dbSNP rs73098579, ClinGen allele CA293011.
Genomic context (GRCh38, chr1:220,195,185, plus strand): 5'-GACAGCTTCTTCTTCGTGCTTACTTTTCCAACCAAGCCAACCACTGAAAAGAAAGAAAAC[T>G]TAGAATATAAAACTGAGCTTCCAGGGTTTTAAAGTGCAAACTATCAAAATATAAGTTAAA-3'

ClinVar aggregate classification (germline): Benign. Review status: criteria provided, multiple submitters, no conflicts (2 of 4 stars). 7 submissions from 6 submitters: Benign (5). 2 of the submissions do not count toward it. Last evaluated 2026-02-03.

Conditions:
Warburg micro syndrome 2 (WARBM2). Also called: MICRO SYNDROME 2. Identifiers: Orphanet 2510, MedGen C3280214, MONDO:0013641, OMIM 614225.
Martsolf syndrome (MARTS). Also called: Congenital cataract with intellectual disability and hypogonadotropic hypogonadism syndrome. Identifiers: Orphanet 1387, MedGen C0796037, MONDO:0023910.

Allele frequency attached by ClinVar (database versions not stated): ExAC 0.04308; gnomAD 0.04963 and 0.04970; TOPMed 0.05284; ESP Exome Variant Server 0.05345; 1000 Genomes Project 30x 0.05418; 1000 Genomes Project 0.05471.
gnomAD v4.1: 64,369 of 1,613,398 alleles (4%); highest among the groups gnomAD compares: African/African-American, 8%; 1,545 homozygotes.

Submissions (7):

Labcorp Genetics (formerly Invitae), Labcorp
Classification: Benign for Martsolf syndrome; Warburg micro syndrome 2. Last evaluated: 2026-02-03. Review status: criteria provided, single submitter. Criteria: Invitae Variant Classification Sherloc (09022015). Collection method: clinical testing. Allele origin: germline.

Genome-Nilou Lab
Classification: Benign for Martsolf syndrome 1. Last evaluated: 2021-11-07. Review status: criteria provided, single submitter. Criteria: ACMG Guidelines, 2015. Collection method: clinical testing. Allele origin: germline. Affected: no.

Genome-Nilou Lab
Classification: Benign for Warburg micro syndrome 2. Last evaluated: 2021-11-07. Review status: criteria provided, single submitter. Criteria: ACMG Guidelines, 2015. Collection method: clinical testing. Allele origin: germline. Affected: no.

GeneDx
Classification: Benign. Last evaluated: 2014-04-28. Review status: criteria provided, single submitter. Criteria: GeneDx Variant Classification (06012015). Collection method: clinical testing. Allele origin: germline. Affected: yes.
Comment: This variant is considered likely benign or benign based on one or more of the following criteria: it is a conservative change, it occurs at a poorly conserved position in the protein, it is predicted to be benign by multiple in silico algorithms, and/or has population frequency not consistent with disease.

Breakthrough Genomics
Classification: Benign. Review status: criteria provided, single submitter. Criteria: ACMG Guidelines, 2015. Collection method: not provided. Allele origin: germline. Inheritance: Autosomal recessive inheritance. Affected: yes.

Clinical Genetics DNA and cytogenetics Diagnostics Lab, Erasmus MC, Erasmus Medical Center
Classification: Benign. Review status: no assertion criteria provided. Collection method: clinical testing. Allele origin: germline. Affected: yes. Study: VKGL Data-share Consensus. Not counted in ClinVar's aggregate classification.

Joint Genome Diagnostic Labs from Nijmegen and Maastricht, Radboudumc and MUMC+
Classification: Benign. Review status: no assertion criteria provided. Collection method: clinical testing. Allele origin: germline. Affected: yes. Study: VKGL Data-share Consensus. Not counted in ClinVar's aggregate classification.